The following is an entry in ClinVar:

NC_000005.10:g.112851098T>C

Variant type: single nucleotide variant.
Genome position: GRCh38 VCF-style: chr5-112851098-T-C. GRCh37 (hg19) VCF-style: chr5-112186795-T-C.
Identifiers: ClinVar variation 82690 (VCV000082690.3), dbSNP rs74365481, ClinGen allele CA250830.

ClinVar aggregate classification (germline): other (0 of 4 stars; one submission).

Conditions:
Familial colorectal cancer. Identifiers: MedGen CN280943, MONDO:0023113. Disease mechanism: loss of function.

Submission:

Systems Biology Platform Zhejiang California International NanoSystems Institute
Classification: other for Familial colorectal cancer. Review status: no assertion criteria provided. Collection method: not provided. Allele origin: unknown.
ClinVar note: Converted during submission from cancer to other.